The following is an entry in ClinVar:

ClinVar aggregate classification (germline): Pathogenic (1 of 4 stars; one submission).

Conditions:
Trimethylaminuria (TMAU). Also called: FISH-ODOR SYNDROME; Fish malodor syndrome; Stale fish syndrome; TMAuria; Primary Trimethylaminuria. Identifiers: MedGen C0342739, MONDO:0011182, OMIM 602079, HP:0003614. Disease mechanism: loss of function.

Submission:

Myriad Genetics, Inc.
Classification: Pathogenic for Trimethylaminuria. Last evaluated: 2026-05-06. Review status: criteria provided, single submitter. Criteria: Myriad Autosomal Dominant, Autosomal Recessive and X-Linked Classification Criteria (2023). Collection method: clinical testing. Allele origin: unknown.
Comment: NM_001002294.2(FMO3):c.273_280del8(I92Cfs*13) is expected to be pathogenic in the context of primary trimethylaminuria. This variant is predicted to lead to an abnormal or absent protein product due to the creation of a premature termination codon in FMO3, a gene where loss-of-function variants are known to be pathogenic. Please note: this variant was assessed in the context of healthy population screening.

NM_001002294.3(FMO3):c.273_280del (p.Ile92fs)

Gene: FMO3 (flavin containing dimethylaniline monoxygenase 3; plus strand). Cytogenetic location: 1q24.3.
Variant type: Deletion.
Coding change: c.273_280del on transcript NM_001002294.3 (MANE Select); coding-DNA positions 273 to 280, 8 bases deleted (CATTGCAT; older notation c.273_280delCATTGCAT).
Protein change: p.Ile92fs; shifts the reading frame from isoleucine 92.
Molecular consequence: frameshift variant. On other transcripts: intron variant (1).
Genome position (GRCh38, 1-based): chr1:171,103,925-171,103,932, CATTGCAT deleted; deleting any 8 consecutive bases within chr1:171,103,923-171,103,932 gives the same sequence; the c. name uses the placement nearest the transcript's 3' end. VCF-style (leftmost placement, unchanged base first): chr1-171103922-TATCATTGC-T. GRCh37 (hg19) VCF-style: chr1-171073063-TATCATTGC-T.
Other names: c.213_220del, p.Ile72fs (NM_001319173.2); c.273_280del, p.Ile92fs (NM_006894.6); c.133-3750_133-3743del (NM_001319174.2); short protein forms I72fs, I92fs.
Identifiers: ClinVar variation 5015884 (VCV005015884.1).
Genomic context (GRCh38, chr1:171,103,922, plus strand): 5'-AGACTTCCCATTTCCCGATGACTTCCCCAACTTTATGCACAACAGCAAGATCCAGGAATA[TATCATTGC>T]ATTTGCCAAAGAAAAGAACCTCCTGAAGTACATACAATTTAAGGTAAGATGTTATCAACA-3'